The following is an entry in ClinVar:

NM_170606.3(KMT2C):c.7190AGA[2] (p.Lys2399del)

Gene: KMT2C (lysine methyltransferase 2C; minus strand). Cytogenetic location: 7q36.1.
Variant type: Microsatellite.
Coding change: c.7190AGA[2] on transcript NM_170606.3 (MANE Select); two copies in a row of the 3-base unit AGA starting at c.7190; the reference has three copies in a row; one copy, 3 bases deleted; also written c.7196_7198del.
Protein change: p.Lys2399del; deletes lysine 2399.
Molecular consequence: inframe deletion.
Genome position (GRCh38, 1-based): chr7:152,180,078-152,180,080, TCT deleted on the plus strand (AGA on the coding strand, the reverse complement: KMT2C is on the minus strand); deleting any 3 consecutive bases within chr7:152,180,078-152,180,086 gives the same sequence; the position shown is the placement nearest the transcript's 3' end. VCF-style (leftmost placement, unchanged base first): chr7-152180077-ATCT-A. GRCh37 (hg19) VCF-style: chr7-151877162-ATCT-A.
Other names: c.7196_7198del (NM_170606.3); short protein forms K2399del.
Identifiers: ClinVar variation 5007186 (VCV005007186.2).

ClinVar aggregate classification (germline): Uncertain significance (1 of 4 stars; one submission).

Conditions:
Kleefstra syndrome 2 (KLEFS2). Identifiers: MedGen C4540395, MONDO:0054701, OMIM 617768.

Submission:

Juno Genomics, Hangzhou Juno Genomics, Inc
Classification: Uncertain significance for Kleefstra syndrome 2. Review status: criteria provided, single submitter. Criteria: ACMG Guidelines, 2015. Collection method: clinical testing. Allele origin: germline.
Comment: Absent from controls (or at extremely low frequency if recessive) in Genome Aggregation Database.;Protein length changes due to in-frame deletions/insertions in a non-repeat region or stop-loss variants.